The following is an entry in ClinVar:

ClinVar aggregate classification (germline): Uncertain significance. Review status: criteria provided, multiple submitters, no conflicts (2 of 4 stars). 4 submissions from 4 submitters: Uncertain significance (4). Last evaluated 2025-01-06.

Conditions:
Seckel syndrome 6 (SCKL6). Identifiers: MedGen C3553582, MONDO:0013871, OMIM 614728.

Allele frequency attached by ClinVar (database versions not stated): ExAC 0.00033; gnomAD exomes 0.00037 and 0.00087; gnomAD 0.00050 and 0.00053; TOPMed 0.00054; ESP Exome Variant Server 0.00077.
gnomAD v4.1: 1,323 of 1,614,024 alleles (0.082%); highest among the groups gnomAD compares: Non-Finnish European, 0.11%; 1 homozygote.

Submissions (4):

Labcorp Genetics (formerly Invitae), Labcorp
Classification: Uncertain significance. Last evaluated: 2025-01-06. Review status: criteria provided, single submitter. Criteria: Invitae Variant Classification Sherloc (09022015). Collection method: clinical testing. Allele origin: germline.
Comment: This sequence change replaces asparagine, which is neutral and polar, with serine, which is neutral and polar, at codon 223 of the CEP63 protein (p.Asn223Ser). This variant is present in population databases (rs140583017, gnomAD 0.08%). This variant has not been reported in the literature in individuals affected with CEP63-related conditions. ClinVar contains an entry for this variant (Variation ID: 377098). Invitae Evidence Modeling of protein sequence and biophysical properties (such as structural, functional, and spatial information, amino acid conservation, physicochemical variation, residue mobility, and thermodynamic stability) indicates that this missense variant is not expected to disrupt CEP63 protein function with a negative predictive value of 80%. In summary, the available evidence is currently insufficient to determine the role of this variant in disease. Therefore, it has been classified as a Variant of Uncertain Significance.

Knight Diagnostic Laboratories, Oregon Health and Sciences University
Classification: Uncertain significance for Seckel syndrome 6. Last evaluated: 2019-07-29. Review status: criteria provided, single submitter. Criteria: ACMG Guidelines, 2015. Collection method: clinical testing. Allele origin: germline. Observed: 1 variant allele.

Genetic Services Laboratory, University of Chicago
Classification: Uncertain significance. Last evaluated: 2017-03-15. Review status: criteria provided, single submitter. Criteria: ACMG Guidelines, 2015. Collection method: clinical testing. Allele origin: germline. Affected: no.

Center for Pediatric Genomic Medicine, Children's Mercy Hospital and Clinics
Classification: Uncertain significance. Last evaluated: 2016-09-29. Review status: criteria provided, single submitter. Criteria: ACMG Guidelines, 2015. Collection method: clinical testing. Allele origin: germline.
ClinVar note: Converted during submission from Uncertain Significance to Uncertain significance.

NM_001353108.3(CEP63):c.668A>G (p.Asn223Ser)

Gene: CEP63 (centrosomal protein 63; plus strand). Cytogenetic location: 3q22.2.
Variant type: single nucleotide variant.
Coding change: c.668A>G on transcript NM_001353108.3 (MANE Select); coding-DNA position 668, A replaced by G.
Protein change: p.Asn223Ser; replaces asparagine 223 with serine.
Molecular consequence: missense variant. On other transcripts: non-coding transcript variant (4).
Genome position (GRCh38, 1-based): chr3:134,545,698, A>G. VCF-style: chr3-134545698-A-G. GRCh37 (hg19) VCF-style: chr3-134264540-A-G.
Other names: c.668A>G, p.Asn223Ser (NM_001042383.2, NM_001042384.2, NM_001042400.3 and 13 more transcripts); c.695A>G, p.Asn232Ser (NM_001353118.1); c.584A>G, p.Asn195Ser (NM_001353125.2); c.305A>G, p.Asn102Ser (NM_001353126.2); short protein forms N223S, N102S, N232S, N195S.
Identifiers: ClinVar variation 377098 (VCV000377098.12), dbSNP rs140583017, ClinGen allele CA2628451.